The following is an entry in ClinVar:

NM_004525.3(LRP2):c.11828A>G (p.His3943Arg)

Gene: LRP2 (LDL receptor related protein 2; minus strand). Cytogenetic location: 2q31.1.
Variant type: single nucleotide variant.
Coding change: c.11828A>G on transcript NM_004525.3 (MANE Select); coding-DNA position 11828, A replaced by G.
Protein change: p.His3943Arg; replaces histidine 3943 with arginine.
Molecular consequence: missense variant.
Genome position (GRCh38, 1-based): chr2:169,162,531, T>C on the plus strand (A>G on the coding strand, the complement: LRP2 is on the minus strand). VCF-style: chr2-169162531-T-C. GRCh37 (hg19) VCF-style: chr2-170019041-T-C.
Other names: short protein forms H3943R.
Identifiers: ClinVar variation 1448376 (VCV001448376.6), dbSNP rs1368246151, ClinGen allele CA349139874.

ClinVar aggregate classification (germline): Uncertain significance (1 of 4 stars; one submission).

Allele frequency attached by ClinVar (database versions not stated): gnomAD exomes below 0.00001.
gnomAD v4.1: 1 of 1,614,226 alleles (0.000062%); highest among the groups gnomAD compares: Non-Finnish European, 0.000085%; no homozygotes.

Submission:

Labcorp Genetics (formerly Invitae), Labcorp
Classification: Uncertain significance. Last evaluated: 2022-08-19. Review status: criteria provided, single submitter. Criteria: Invitae Variant Classification Sherloc (09022015). Collection method: clinical testing. Allele origin: germline.
Comment: ClinVar contains an entry for this variant (Variation ID: 1448376). Advanced modeling of protein sequence and biophysical properties (such as structural, functional, and spatial information, amino acid conservation, physicochemical variation, residue mobility, and thermodynamic stability) performed at Invitae indicates that this missense variant is not expected to disrupt LRP2 protein function. This sequence change replaces histidine, which is basic and polar, with arginine, which is basic and polar, at codon 3943 of the LRP2 protein (p.His3943Arg). This variant is present in population databases (no rsID available, gnomAD 0.0009%). This variant has not been reported in the literature in individuals affected with LRP2-related conditions. In summary, the available evidence is currently insufficient to determine the role of this variant in disease. Therefore, it has been classified as a Variant of Uncertain Significance.